The following is an entry in ClinVar:

ClinVar aggregate classification (germline): Uncertain significance (1 of 4 stars; one submission).

gnomAD v4.1: 2 of 1,613,952 alleles (0.00012%); highest among the groups gnomAD compares: Non-Finnish European, 0.00017%; no homozygotes.

Submission:

GeneDx
Classification: Uncertain significance. Last evaluated: 2025-04-22. Review status: criteria provided, single submitter. Criteria: GeneDx Variant Classification Process June 2021. Collection method: clinical testing. Allele origin: germline. Affected: yes.
Comment: Not observed at significant frequency in large population cohorts (gnomAD); In silico analysis indicates that this missense variant does not alter protein structure/function; Has not been previously published as pathogenic or benign to our knowledge

NM_001357.5(DHX9):c.2647A>G (p.Ile883Val)

Gene: DHX9 (DExH-box helicase 9; plus strand). Cytogenetic location: 1q25.3.
Variant type: single nucleotide variant.
Coding change: c.2647A>G on transcript NM_001357.5 (MANE Select); coding-DNA position 2647, A replaced by G.
Protein change: p.Ile883Val; replaces isoleucine 883 with valine.
Molecular consequence: missense variant. On other transcripts: non-coding transcript variant (1).
Genome position (GRCh38, 1-based): chr1:182,881,286, A>G. VCF-style: chr1-182881286-A-G. GRCh37 (hg19) VCF-style: chr1-182850421-A-G.
Other names: short protein forms I883V.
Identifiers: ClinVar variation 4527192 (VCV004527192.1).